The following is an entry in ClinVar:

NM_021252.5(RAB18):c.96G>T (p.Thr32=)

Gene: RAB18 (RAB18, member RAS oncogene family; plus strand). Cytogenetic location: 10p12.1.
Variant type: single nucleotide variant.
Coding change: c.96G>T on transcript NM_021252.5 (MANE Select); coding-DNA position 96, G replaced by T.
Protein change: p.Thr32=; no amino-acid change (threonine 32 retained).
Molecular consequence: synonymous variant. On other transcripts: non-coding transcript variant (1).
Genome position (GRCh38, 1-based): chr10:27,509,902, G>T. VCF-style: chr10-27509902-G-T. GRCh37 (hg19) VCF-style: chr10-27798831-G-T.
Other names: c.96G>T, p.Thr32= (NM_001256410.2, NM_001256411.2, NM_001256412.2).
Identifiers: ClinVar variation 707597 (VCV000707597.9), dbSNP rs766425410, ClinGen allele CA5452234.

ClinVar aggregate classification (germline): Likely benign. Review status: criteria provided, multiple submitters, no conflicts (2 of 4 stars). 2 submissions from 2 submitters: Likely benign (2). Last evaluated 2026-06-01.

Allele frequency attached by ClinVar (database versions not stated): gnomAD 0.00003; TOPMed 0.00003.
gnomAD v4.1: 42 of 1,612,872 alleles (0.0026%); highest among the groups gnomAD compares: Admixed American, 0.067%; no homozygotes.

Submissions (2):

CeGaT Center for Human Genetics Tuebingen
Classification: Likely benign. Last evaluated: 2026-06-01. Review status: criteria provided, single submitter. Criteria: CeGaT Center For Human Genetics Tuebingen Variant Classification Criteria Version 2. Collection method: clinical testing. Allele origin: germline. Affected: yes. Observed: 1 variant allele.
Comment: RAB18: BP4, BP7

Labcorp Genetics (formerly Invitae), Labcorp
Classification: Likely benign. Last evaluated: 2024-10-17. Review status: criteria provided, single submitter. Criteria: Invitae Variant Classification Sherloc (09022015). Collection method: clinical testing. Allele origin: germline.